The following is an entry in ClinVar:

NM_001378418.1(TCF20):c.1829G>A (p.Arg610Gln)

Gene: TCF20 (transcription factor 20; minus strand). Cytogenetic location: 22q13.2.
Variant type: single nucleotide variant.
Coding change: c.1829G>A on transcript NM_001378418.1 (MANE Select); coding-DNA position 1829, G replaced by A.
Protein change: p.Arg610Gln; replaces arginine 610 with glutamine.
Molecular consequence: missense variant.
Genome position (GRCh38, 1-based): chr22:42,213,477, C>T on the plus strand (G>A on the coding strand, the complement: TCF20 is on the minus strand). VCF-style: chr22-42213477-C-T. GRCh37 (hg19) VCF-style: chr22-42609483-C-T.
Other names: c.1829G>A, p.Arg610Gln (NM_005650.4, NM_181492.3); short protein forms R610Q.
Identifiers: ClinVar variation 4796918 (VCV004796918.1).

ClinVar aggregate classification (germline): Uncertain significance (1 of 4 stars; one submission).

gnomAD v4.1: 10 of 1,614,012 alleles (0.00062%); highest among the groups gnomAD compares: African/African-American, 0.0027%; no homozygotes.

Submission:

Labcorp Genetics (formerly Invitae), Labcorp
Classification: Uncertain significance. Last evaluated: 2025-04-23. Review status: criteria provided, single submitter. Criteria: Invitae Variant Classification Sherloc (09022015). Collection method: clinical testing. Allele origin: germline.
Comment: This sequence change replaces arginine, which is basic and polar, with glutamine, which is neutral and polar, at codon 610 of the TCF20 protein (p.Arg610Gln). This variant is present in population databases (rs760138943, gnomAD 0.008%). This variant has not been reported in the literature in individuals affected with TCF20-related conditions. An algorithm developed to predict the effect of missense changes on protein structure and function (PolyPhen-2) suggests that this variant is likely to be disruptive. In summary, the available evidence is currently insufficient to determine the role of this variant in disease. Therefore, it has been classified as a Variant of Uncertain Significance.